The following is an entry in ClinVar:

NM_002299.4(LCT):c.109A>G (p.Asn37Asp)

Gene: LCT (lactase; minus strand). Cytogenetic location: 2q21.3.
Variant type: single nucleotide variant.
Coding change: c.109A>G on transcript NM_002299.4 (MANE Select); coding-DNA position 109, A replaced by G.
Protein change: p.Asn37Asp; replaces asparagine 37 with aspartic acid.
Molecular consequence: missense variant.
Genome position (GRCh38, 1-based): chr2:135,837,061, T>C on the plus strand (A>G on the coding strand, the complement: LCT is on the minus strand). VCF-style: chr2-135837061-T-C. GRCh37 (hg19) VCF-style: chr2-136594631-T-C.
Other names: short protein forms N37D.
Identifiers: ClinVar variation 1502987 (VCV001502987.6), dbSNP rs754671276, ClinGen allele CA1888695.

ClinVar aggregate classification (germline): Uncertain significance (1 of 4 stars; one submission).

Allele frequency attached by ClinVar (database versions not stated): gnomAD exomes below 0.00001; ExAC 0.00001; gnomAD 0.00001; TOPMed 0.00001.
gnomAD v4.1: 3 of 1,614,000 alleles (0.00019%); highest among the groups gnomAD compares: African/African-American, 0.004%; no homozygotes.

Submission:

Labcorp Genetics (formerly Invitae), Labcorp
Classification: Uncertain significance. Last evaluated: 2021-01-16. Review status: criteria provided, single submitter. Criteria: Invitae Variant Classification Sherloc (09022015). Collection method: clinical testing. Allele origin: germline.
Comment: This sequence change replaces asparagine with aspartic acid at codon 37 of the LCT protein (p.Asn37Asp). The asparagine residue is weakly conserved and there is a small physicochemical difference between asparagine and aspartic acid. This variant is present in population databases (rs754671276, ExAC 0.01%). This variant has not been reported in the literature in individuals with LCT-related conditions. Algorithms developed to predict the effect of missense changes on protein structure and function output the following: SIFT: "Not Available"; PolyPhen-2: "Benign"; Align-GVGD: "Not Available". The aspartic acid amino acid residue is found in multiple mammalian species, suggesting that this missense change does not adversely affect protein function. These predictions have not been confirmed by published functional studies and their clinical significance is uncertain. In summary, the available evidence is currently insufficient to determine the role of this variant in disease. Therefore, it has been classified as a Variant of Uncertain Significance.